The following is an entry in ClinVar:

NM_144596.4(TTC8):c.69del (p.Cys23fs)

Gene: TTC8 (tetratricopeptide repeat domain 8; plus strand). Cytogenetic location: 14q31.3.
Variant type: Deletion.
Coding change: c.69del on transcript NM_144596.4 (MANE Select); coding-DNA position 69, one base deleted (C; older notation c.69delC).
Protein change: p.Cys23fs; shifts the reading frame from cysteine 23.
Molecular consequence: frameshift variant. On other transcripts: 5 prime UTR variant (2), non-coding transcript variant (1).
Genome position (GRCh38, 1-based): chr14:88,824,776, C deleted. VCF-style (leftmost placement, unchanged base first): chr14-88824775-GC-G. GRCh37 (hg19) VCF-style: chr14-89291119-GC-G.
Other names: c.69del, p.Cys23fs (NM_001288781.1, NM_001366535.2, NM_001366536.2 and 2 more transcripts); c.-494del (NM_001288782.1); c.-589del (NM_001288783.1); short protein forms C23fs.
Identifiers: ClinVar variation 974367 (VCV000974367.2), dbSNP rs2094690718, ClinGen allele CA1139663619.

ClinVar aggregate classification (germline): Pathogenic/Likely pathogenic. Review status: criteria provided, multiple submitters, no conflicts (2 of 4 stars). 2 submissions from 2 submitters: Pathogenic (1); Likely pathogenic (1). Last evaluated 2025-10-26.

Conditions:
Bardet-Biedl syndrome 8 (BBS8). Identifiers: Orphanet 110, MedGen C1859566, MONDO:0014436, OMIM 615985.
Bardet-Biedl syndrome (BBS). Identifiers: Orphanet 110, MedGen C0752166, MONDO:0015229.

Submissions (2):

Labcorp Genetics (formerly Invitae), Labcorp
Classification: Pathogenic for Bardet-Biedl syndrome. Last evaluated: 2025-10-26. Review status: criteria provided, single submitter. Criteria: Invitae Variant Classification Sherloc (09022015). Collection method: clinical testing. Allele origin: germline.
Comment: This sequence change creates a premature translational stop signal (p.Cys23Trpfs*21) in the TTC8 gene. It is expected to result in an absent or disrupted protein product. Loss-of-function variants in TTC8 are known to be pathogenic (PMID: 16308660, 16877420, 19797195, 21052717, 30886724). This variant is not present in population databases (gnomAD no frequency). This premature translational stop signal has been observed in individual(s) with Bardet-Biedl syndrome (PMID: 33532864). ClinVar contains an entry for this variant (Variation ID: 974367). For these reasons, this variant has been classified as Pathogenic.

Molecular Biology Laboratory, Fundació Puigvert
Classification: Likely pathogenic for Bardet-Biedl syndrome 8. Last evaluated: 2020-02-01. Review status: criteria provided, single submitter. Criteria: ACMG Guidelines, 2015. Collection method: research. Allele origin: maternal. Affected: yes. Study: KidneyPanel_2020.

Literature cited by the submitters: PubMed 16308660 (cited by Labcorp Genetics (formerly Invitae), Labcorp); PubMed 16877420 (cited by Labcorp Genetics (formerly Invitae), Labcorp); PubMed 19797195 (cited by Labcorp Genetics (formerly Invitae), Labcorp); PubMed 21052717 (cited by Labcorp Genetics (formerly Invitae), Labcorp); PubMed 30886724 (cited by Labcorp Genetics (formerly Invitae), Labcorp); PubMed 33532864 (cited by Labcorp Genetics (formerly Invitae), Labcorp and Molecular Biology Laboratory, Fundació Puigvert).